The following is an entry in ClinVar:

ClinVar aggregate classification (germline): Likely benign (0 of 4 stars; one submission).

Conditions:
CSNK1D-related disorder. Also called: CSNK1D-related condition.

Allele frequency attached by ClinVar (database versions not stated): gnomAD exomes 0.00001; TOPMed 0.00002; gnomAD 0.00001.
gnomAD v4.1: 11 of 1,233,692 alleles (0.00089%); highest among the groups gnomAD compares: Non-Finnish European, 0.001%; no homozygotes.

Submission:

PreventionGenetics, part of Exact Sciences
Classification: Likely benign for CSNK1D-related condition. Last evaluated: 2019-06-11. Review status: no assertion criteria provided. Collection method: clinical testing. Allele origin: germline.
Comment: This variant is classified as likely benign based on ACMG/AMP sequence variant interpretation guidelines (Richards et al. 2015 PMID: 25741868, with internal and published modifications).

NM_001363749.2(CSNK1D):c.1218T>C (p.Ser406=)

Genes: CSNK1D (casein kinase 1 delta; minus strand), SLC16A3 (solute carrier family 16 member 3; plus strand). Cytogenetic location: 17q25.3.
Variant type: single nucleotide variant.
Coding change: c.1218T>C on transcript NM_001363749.2; coding-DNA position 1218, T replaced by C.
Protein change: p.Ser406=; no amino-acid change (serine 406 retained).
Molecular consequence: synonymous variant. On other transcripts: 3 prime UTR variant (6).
Genome position (GRCh38, 1-based): chr17:82,240,042, A>G on the plus strand (T>C on the coding strand, the complement: CSNK1D is on the minus strand). VCF-style: chr17-82240042-A-G. GRCh37 (hg19) VCF-style: chr17-80197918-A-G.
Other names: c.*1066A>G (NM_001042422.3, NM_001042423.3, NM_001206950.2 and 3 more transcripts).
Identifiers: ClinVar variation 3041815 (VCV003041815.2), dbSNP rs1388115057, ClinGen allele CA775729934.